The following is an entry in ClinVar:

NM_000135.4(FANCA):c.3330C>A (p.His1110Gln)

Gene: FANCA (FA complementation group A; minus strand). Cytogenetic location: 16q24.3.
Variant type: single nucleotide variant.
Coding change: c.3330C>A on transcript NM_000135.4 (MANE Select); coding-DNA position 3330, C replaced by A.
Protein change: p.His1110Gln; replaces histidine 1110 with glutamine.
Molecular consequence: missense variant.
Genome position (GRCh38, 1-based): chr16:89,748,677, G>T on the plus strand (C>A on the coding strand, the complement: FANCA is on the minus strand). VCF-style: chr16-89748677-G-T. GRCh37 (hg19) VCF-style: chr16-89815085-G-T.
Other names: c.3330C>A, p.His1110Gln (NM_001286167.3); short protein forms H1110Q.
Identifiers: ClinVar variation 2101260 (VCV002101260.1), dbSNP rs557605228, ClinGen allele CA397486218.

ClinVar aggregate classification (germline): Uncertain significance (1 of 4 stars; one submission).

Conditions:
Fanconi anemia (FA). Also called: Fanconi's anemia. Identifiers: Orphanet 84, MedGen C0015625, MeSH D005199, MONDO:0019391.

Submission:

Labcorp Genetics (formerly Invitae), Labcorp
Classification: Uncertain significance for Fanconi anemia. Last evaluated: 2022-04-30. Review status: criteria provided, single submitter. Criteria: Invitae Variant Classification Sherloc (09022015). Collection method: clinical testing. Allele origin: germline.
Comment: This sequence change replaces histidine, which is basic and polar, with glutamine, which is neutral and polar, at codon 1110 of the FANCA protein (p.His1110Gln). This variant is not present in population databases (gnomAD no frequency). This variant has not been reported in the literature in individuals affected with FANCA-related conditions. Advanced modeling of protein sequence and biophysical properties (such as structural, functional, and spatial information, amino acid conservation, physicochemical variation, residue mobility, and thermodynamic stability) performed at Invitae indicates that this missense variant is not expected to disrupt FANCA protein function. In summary, the available evidence is currently insufficient to determine the role of this variant in disease. Therefore, it has been classified as a Variant of Uncertain Significance.